The following is an entry in ClinVar:

NM_019032.6(ADAMTSL4):c.2040C>T (p.Cys680=)

Genes: ADAMTSL4 (ADAMTS like 4; plus strand), ADAMTSL4-AS2 (ADAMTSL4 antisense RNA 2; minus strand). Cytogenetic location: 1q21.2.
Variant type: single nucleotide variant.
Coding change: c.2040C>T on transcript NM_019032.6 (MANE Select); coding-DNA position 2040, C replaced by T.
Protein change: p.Cys680=; no amino-acid change (cysteine 680 retained).
Molecular consequence: synonymous variant.
Genome position (GRCh38, 1-based): chr1:150,557,328, C>T. VCF-style: chr1-150557328-C-T. GRCh37 (hg19) VCF-style: chr1-150529804-C-T.
Other names: c.1923C>T, p.Cys641= (NM_001288607.2); c.2109C>T, p.Cys703= (NM_001288608.2); c.2040C>T, p.Cys680= (NM_001378596.1, NM_025008.5).
Identifiers: ClinVar variation 724482 (VCV000724482.15), dbSNP rs140005044, ClinGen allele CA1078489.

ClinVar aggregate classification (germline): Conflicting classifications of pathogenicity. Review status: criteria provided, conflicting classifications (1 of 4 stars). 4 submissions from 4 submitters: Uncertain significance (1); Benign (1); Likely benign (1). 1 of the submissions does not count toward it. Last evaluated 2025-12-15.

Conditions:
Ectopia lentis 2, isolated, autosomal recessive (ECTOL2). Identifiers: Orphanet 1885, MedGen C3541474, MONDO:0009152, OMIM 225100.
ADAMTSL4-related disorder. Also called: ADAMTSL4-Related Disorders; ADAMTSL4-related condition.

Allele frequency attached by ClinVar (database versions not stated): ESP Exome Variant Server 0.00015; TOPMed 0.00016; gnomAD exomes 0.00051 and 0.00076; 1000 Genomes Project 30x 0.00062; ExAC 0.00065; gnomAD 0.00066 and 0.00067; 1000 Genomes Project 0.00080.
gnomAD v4.1: 849 of 1,610,222 alleles (0.053%); highest among the groups gnomAD compares: South Asian, 0.13%; 1 homozygote.

Submissions (4):

Labcorp Genetics (formerly Invitae), Labcorp
Classification: Benign. Last evaluated: 2025-12-15. Review status: criteria provided, single submitter. Criteria: Invitae Variant Classification Sherloc (09022015). Collection method: clinical testing. Allele origin: germline.

Blueprint Genetics
Classification: Likely benign. Last evaluated: 2024-11-25. Review status: criteria provided, single submitter. Criteria: ACMG Guidelines, 2015. Collection method: clinical testing. Allele origin: germline.

Illumina Laboratory Services, Illumina
Classification: Uncertain significance for Ectopia lentis 2, isolated, autosomal recessive. Last evaluated: 2018-01-12. Review status: criteria provided, single submitter. Criteria: ICSL Variant Classification Criteria 13 December 2019. Collection method: clinical testing. Allele origin: germline.

PreventionGenetics, part of Exact Sciences
Classification: Likely benign for ADAMTSL4-related condition. Last evaluated: 2019-07-29. Review status: no assertion criteria provided. Collection method: clinical testing. Allele origin: germline. Not counted in ClinVar's aggregate classification.
Comment: This variant is classified as likely benign based on ACMG/AMP sequence variant interpretation guidelines (Richards et al. 2015 PMID: 25741868, with internal and published modifications).